The following is an entry in ClinVar:

ClinVar aggregate classification (germline): Uncertain significance (1 of 4 stars; one submission).

Conditions:
Duchenne muscular dystrophy (DMD). Also called: MUSCULAR DYSTROPHY, PSEUDOHYPERTROPHIC PROGRESSIVE, DUCHENNE TYPE; Duchenne Muscular Dystrophy (DMD). Identifiers: Orphanet 98896, MedGen C0013264, MONDO:0010679, OMIM 310200.

Allele frequency attached by ClinVar (database versions not stated): gnomAD exomes below 0.00001.
gnomAD v4.1: 1 of 1,212,156 alleles (0.000082%); highest among the groups gnomAD compares: Non-Finnish European, 0.00011%; no homozygotes.

Submission:

Labcorp Genetics (formerly Invitae), Labcorp
Classification: Uncertain significance for Duchenne muscular dystrophy. Last evaluated: 2025-05-06. Review status: criteria provided, single submitter. Criteria: Invitae Variant Classification Sherloc (09022015). Collection method: clinical testing. Allele origin: germline.
Comment: This sequence change replaces arginine, which is basic and polar, with glycine, which is neutral and non-polar, at codon 2849 of the DMD protein (p.Arg2849Gly). This variant is not present in population databases (gnomAD no frequency). This variant has not been reported in the literature in individuals affected with DMD-related conditions. ClinVar contains an entry for this variant (Variation ID: 2132786). An algorithm developed to predict the effect of missense changes on protein structure and function (PolyPhen-2) suggests that this variant is likely to be tolerated. In summary, the available evidence is currently insufficient to determine the role of this variant in disease. Therefore, it has been classified as a Variant of Uncertain Significance.

NM_004006.3(DMD):c.8545A>G (p.Arg2849Gly)

Gene: DMD (dystrophin; minus strand). Cytogenetic location: Xp21.2.
Variant type: single nucleotide variant.
Coding change: c.8545A>G on transcript NM_004006.3 (MANE Select); coding-DNA position 8545, A replaced by G.
Protein change: p.Arg2849Gly; replaces arginine 2849 with glycine.
Molecular consequence: missense variant.
Genome position (GRCh38, 1-based): chrX:31,496,790, T>C on the plus strand (A>G on the coding strand, the complement: DMD is on the minus strand). VCF-style: chrX-31496790-T-C. GRCh37 (hg19) VCF-style: chrX-31514907-T-C.
Other names: c.8521A>G, p.Arg2841Gly (NM_000109.4); c.8533A>G, p.Arg2845Gly (NM_004009.3); c.8176A>G, p.Arg2726Gly (NM_004010.3); c.4522A>G, p.Arg1508Gly (NM_004011.4); c.4513A>G, p.Arg1505Gly (NM_004012.4); c.1165A>G, p.Arg389Gly (NM_004013.3, NM_004020.4, NM_004021.3 and 2 more transcripts); c.358A>G, p.Arg120Gly (NM_004014.3); short protein forms R120G, R2726G, R1505G, R389G, R1508G, R2841G, R2849G, R2845G.
Identifiers: ClinVar variation 2132786 (VCV002132786.4), dbSNP rs1267267091, ClinGen allele CA412655356.
Genomic context (GRCh38, chrX:31,496,790, plus strand): 5'-GTCACTGGATTACTATGTGCTTAACATGTGCAAGGCACGAGGCTTAAAAATGTCCTACCC[T>C]ATGTACATCGTTCTGCTTCTGAACTGCTGGAAAGTCGCCTCCAATAGGTGCCTGCCGGCT-3'
Protein context (NP_003997.2, residues 2839-2859): PAVQKQNDVH[Arg2849Gly]AFKRELKTKE